The following is an entry in ClinVar:

ClinVar aggregate classification (germline): Likely pathogenic (1 of 4 stars; one submission).

Submission:

GeneDx
Classification: Likely pathogenic. Last evaluated: 2020-04-24. Review status: criteria provided, single submitter. Criteria: GeneDx Variant Classification Process June 2021. Collection method: clinical testing. Allele origin: germline. Affected: yes.
Comment: Not observed in large population cohorts (Lek et al., 2016); In silico analysis supports that this missense variant has a deleterious effect on protein structure/function; Has not been previously published as pathogenic or benign to our knowledge; This variant is associated with the following publications: (PMID: 32135084)

NM_001356.5(DDX3X):c.1513C>G (p.Leu505Val)

Gene: DDX3X (DEAD-box helicase 3 X-linked; plus strand). Cytogenetic location: Xp11.4.
Variant type: single nucleotide variant.
Coding change: c.1513C>G on transcript NM_001356.5 (MANE Select); coding-DNA position 1513, C replaced by G.
Protein change: p.Leu505Val; replaces leucine 505 with valine.
Molecular consequence: missense variant. On other transcripts: non-coding transcript variant (1).
Genome position (GRCh38, 1-based): chrX:41,346,520, C>G. VCF-style: chrX-41346520-C-G. GRCh37 (hg19) VCF-style: chrX-41205773-C-G.
Other names: c.1513C>G, p.Leu505Val (NM_001193416.3); c.1465C>G, p.Leu489Val (NM_001193417.3); c.955C>G, p.Leu319Val (NM_001363819.1); short protein forms L505V, L489V, L319V.
Identifiers: ClinVar variation 421847 (VCV000421847.3), dbSNP rs1017583398, ClinGen allele CA16621391.
Genomic context (GRCh38, chrX:41,346,520, plus strand): 5'-TGTTTTCTTTTAAGTGGGCCATATCTCATAAAAGTTATTTTCCAGGTAGCAGCAAGAGGA[C>G]TGGACATTTCAAATGTGAAACATGTTATCAATTTTGACTTGCCAAGTGATATTGAAGAAT-3'
Protein context (NP_001347.3, residues 495-515): LVATAVAARG[Leu505Val]DISNVKHVIN